The following is an entry in ClinVar:

NM_000135.4(FANCA):c.1567-9T>A

Gene: FANCA (FA complementation group A; minus strand). Cytogenetic location: 16q24.3.
Variant type: single nucleotide variant.
Coding change: c.1567-9T>A on transcript NM_000135.4 (MANE Select); 9 bases into the intron before coding-DNA position 1567, T replaced by A.
Molecular consequence: intron variant.
Genome position (GRCh38, 1-based): chr16:89,782,927, A>T on the plus strand (T>A on the coding strand, the complement: FANCA is on the minus strand). VCF-style: chr16-89782927-A-T. GRCh37 (hg19) VCF-style: chr16-89849335-A-T.
Other names: c.1567-9T>A (NM_001286167.3, NM_000135.2).
Identifiers: ClinVar variation 1007169 (VCV001007169.9), dbSNP rs747184077, ClinGen allele CA8252245.

ClinVar aggregate classification (germline): Conflicting classifications of pathogenicity. Review status: criteria provided, conflicting classifications (1 of 4 stars). 2 submissions from 2 submitters: Uncertain significance (1); Likely benign (1). Last evaluated 2024-02-17.

Conditions:
FANCA-related disorder. Also called: FANCA-related condition.
Fanconi anemia (FA). Also called: Fanconi's anemia. Identifiers: Orphanet 84, MedGen C0015625, MeSH D005199, MONDO:0019391.

Allele frequency attached by ClinVar (database versions not stated): gnomAD exomes below 0.00001 and 0.00001; TOPMed 0.00001; ExAC 0.00002.
gnomAD v4.1: 2 of 1,613,920 alleles (0.00012%); highest among the groups gnomAD compares: African/African-American, 0.0013%; no homozygotes.

Submissions (2):

Labcorp Genetics (formerly Invitae), Labcorp
Classification: Likely benign for Fanconi anemia. Last evaluated: 2024-02-17. Review status: criteria provided, single submitter. Criteria: Invitae Variant Classification Sherloc (09022015). Collection method: clinical testing. Allele origin: germline.

PreventionGenetics, part of Exact Sciences
Classification: Uncertain significance for FANCA-related condition. Last evaluated: 2022-10-17. Review status: criteria provided, single submitter. Criteria: ACMG Guidelines, 2015. Collection method: clinical testing. Allele origin: germline.
Comment: The FANCA c.1567-9T>A variant is predicted to interfere with splicing. This variant is predicted to alter splicing based on available splicing prediction programs (Alamut Visual v2.11). However, the use of computer prediction programs is not equivalent to functional evidence. To our knowledge, this variant has not been reported in the literature. This variant is reported in 0.0062% of alleles in individuals of African descent in gnomAD and is interpreted as uncertain significance in ClinVar. At this time, the clinical significance of this variant is uncertain due to the absence of conclusive functional and genetic evidence.